The following is an entry in ClinVar:

NM_000159.4(GCDH):c.892G>A (p.Ala298Thr)

Gene: GCDH (glutaryl-CoA dehydrogenase; plus strand). Cytogenetic location: 19p13.13.
Variant type: single nucleotide variant.
Coding change: c.892G>A on transcript NM_000159.4 (MANE Select); coding-DNA position 892, G replaced by A.
Protein change: p.Ala298Thr; replaces alanine 298 with threonine.
Molecular consequence: missense variant. On other transcripts: non-coding transcript variant (2).
Genome position (GRCh38, 1-based): chr19:12,896,949, G>A. VCF-style: chr19-12896949-G-A. GRCh37 (hg19) VCF-style: chr19-13007763-G-A.
Other names: c.892G>A, p.Ala298Thr (NM_013976.5); short protein forms A298T.
Identifiers: ClinVar variation 429706 (VCV000429706.21), dbSNP rs761765983, ClinGen allele CA9234539.

ClinVar aggregate classification (germline): Pathogenic. Review status: criteria provided, multiple submitters, no conflicts (2 of 4 stars). 7 submissions from 7 submitters: Pathogenic (6). 1 of the submissions does not count toward it. Last evaluated 2025-06-05.

Conditions:
Glutaric aciduria, type 1. Also called: Glutaric Acidemia Type 1; Glutaricaciduria, type I; Glutaricacidemia Type 1; GA I; Glutaryl-CoA dehydrogenase deficiency; Glutaric acidemia type I. Identifiers: Orphanet 25, MedGen C0268595, MONDO:0009281, OMIM 231670.

Allele frequency attached by ClinVar (database versions not stated): gnomAD exomes 0.00001 and 0.00002; ExAC 0.00002; gnomAD 0.00002 and 0.00003; TOPMed 0.00005.
gnomAD v4.1: 14 of 1,612,986 alleles (0.00087%); highest among the groups gnomAD compares: East Asian, 0.0089%; no homozygotes.

Submissions (7):

Natera, Inc.
Classification: Pathogenic for Glutaric acidemia type 1. Last evaluated: 2025-06-05. Review status: criteria provided, single submitter. Criteria: Natera Variant Classification Schema (03/2026). Collection method: clinical testing. Allele origin: germline.
Comment: The c.892G>A variant in GCDH is a missense variant predicted to cause substitution of alanine to threonine at amino acid 298. This variant is rare in the general population with a frequency below the threshold expected for the associated phenotype(s). This variant has been observed in one or more individuals affected with the associated recessive disease, as either homozygous or compound heterozygous with a second variant (PMID: 36906724, 27672653, 26656312, 15505393). Given the available evidence, this variant is classified as Pathogenic.

Myriad Genetics, Inc.
Classification: Pathogenic for Glutaric aciduria, type 1. Last evaluated: 2025-03-24. Review status: criteria provided, single submitter. Criteria: Myriad Autosomal Dominant, Autosomal Recessive and X-Linked Classification Criteria (2023). Collection method: clinical testing. Allele origin: unknown.
Comment: NM_000159.2(GCDH):c.892G>A(A298T) is a missense variant classified as pathogenic in the context of glutaric acidemia, GCDH-related. A298T has been observed in cases with relevant disease (PMID: 26656312, 36906724, 27672653, 30838026, 39670100). Relevant functional assessments of this variant are not available in the literature. A298T has been observed in referenced population frequency databases. In summary, NM_000159.2(GCDH):c.892G>A(A298T) is a missense variant that has been observed more frequently in cases with the relevant disease than in healthy populations. Please note: this variant was assessed in the context of healthy population screening.

Labcorp Genetics (formerly Invitae), Labcorp
Classification: Pathogenic for Glutaric aciduria, type 1. Last evaluated: 2024-02-20. Review status: criteria provided, single submitter. Criteria: Invitae Variant Classification Sherloc (09022015). Collection method: clinical testing. Allele origin: germline.
Comment: This sequence change replaces alanine, which is neutral and non-polar, with threonine, which is neutral and polar, at codon 298 of the GCDH protein (p.Ala298Thr). This variant is present in population databases (rs761765983, gnomAD 0.01%). This missense change has been observed in individual(s) with Glutaric acidemia type I (PMID: 11058907, 15505393, 23104440, 26656312, 27672653). ClinVar contains an entry for this variant (Variation ID: 429706). Advanced modeling of protein sequence and biophysical properties (such as structural, functional, and spatial information, amino acid conservation, physicochemical variation, residue mobility, and thermodynamic stability) performed at Invitae indicates that this missense variant is not expected to disrupt GCDH protein function with a negative predictive value of 80%. For these reasons, this variant has been classified as Pathogenic.

GeneDx
Classification: Pathogenic. Last evaluated: 2022-01-05. Review status: criteria provided, single submitter. Criteria: GeneDx Variant Classification Process June 2021. Collection method: clinical testing. Allele origin: germline. Affected: yes.
Comment: Not observed at significant frequency in large population cohorts (gnomAD); In silico analysis supports that this missense variant has a deleterious effect on protein structure/function; This variant is associated with the following publications: (PMID: 15505393, 23104440, 26656312, 27672653, 32508882, 32778825, 11058907, 9711871)

Women's Health and Genetics/Laboratory Corporation of America, LabCorp
Classification: Pathogenic for Glutaric aciduria, type 1. Last evaluated: 2017-04-26. Review status: criteria provided, single submitter. Criteria: LabCorp Variant Classification Summary - May 2015. Collection method: clinical testing. Allele origin: germline.
Comment: Variant summary: The GCDH c.892G>A (p.Ala298Thr) variant located in the Acyl-CoA dehydrogenase/oxidase C-terminal (via InterPro) involves the alteration of a non-conserved nucleotide and 2/4 in silico tools (SNPsandGO not captured here due to low reliability index) predict a benign outcome. This variant was found in 3/120372 control chromosomes at a frequency of 0.0000249, which does not exceed the estimated maximal expected allele frequency of a pathogenic GCDH variant (0.0035355). Multiple publications have cited the variant in affected homozygote and compound heterozygote individuals. Functional analysis found no enzyme activity for a homozygous affected individual and ~50% activity for a unaffected carrier. Therefore, the variant of interest has been classified as "pathogenic."

Juno Genomics, Hangzhou Juno Genomics, Inc
Classification: Pathogenic for Glutaric aciduria, type 1. Review status: criteria provided, single submitter. Criteria: ACMG Guidelines, 2015. Collection method: clinical testing. Allele origin: germline.
Comment: Absent from controls (or at extremely low frequency if recessive) in Genome Aggregation Database.;For recessive disorders, detected in trans with a pathogenic variant.;Patient's phenotype or family history is highly specific for a disease with a single genetic etiology.

Counsyl
Classification: Likely pathogenic for Glutaric aciduria, type 1. Last evaluated: 2017-02-23. Review status: no assertion criteria provided. Collection method: clinical testing. Allele origin: unknown. Not counted in ClinVar's aggregate classification.

Literature cited by the submitters: PubMed 36906724 (cited by Natera, Inc. and Myriad Genetics, Inc.); PubMed 27672653 (cited by 5 submitters); PubMed 26656312 (cited by 5 submitters); PubMed 15505393 (cited by 4 submitters); PubMed 30838026 (cited by Myriad Genetics, Inc.); PubMed 39670100 (cited by Myriad Genetics, Inc.); PubMed 11058907 (cited by 3 submitters); PubMed 23104440 (cited by 3 submitters); PubMed 9711871 (cited by Women's Health and Genetics/Laboratory Corporation of America, LabCorp and Counsyl).